The following is an entry in ClinVar:

NM_000161.3(GCH1):c.61G>T (p.Gly21Trp)

Genes: GCH1 (GTP cyclohydrolase 1; minus strand), LOC130055692 (ATAC-STARR-seq lymphoblastoid silent region 5776; plus strand). Cytogenetic location: 14q22.2.
Variant type: single nucleotide variant.
Coding change: c.61G>T on transcript NM_000161.3 (MANE Select); coding-DNA position 61, G replaced by T.
Protein change: p.Gly21Trp; replaces glycine 21 with tryptophan.
Molecular consequence: missense variant.
Genome position (GRCh38, 1-based): chr14:54,902,603, C>A on the plus strand (G>T on the coding strand, the complement: GCH1 is on the minus strand). VCF-style: chr14-54902603-C-A. GRCh37 (hg19) VCF-style: chr14-55369321-C-A.
Other names: c.61G>T, p.Gly21Trp (NM_001024024.2, NM_001024070.2, NM_001024071.2 and 1 more transcripts); short protein forms G21W.
Identifiers: ClinVar variation 3763863 (VCV003763863.2).

ClinVar aggregate classification (germline): Uncertain significance (1 of 4 stars; one submission).

Conditions:
GTP cyclohydrolase I deficiency. Identifiers: MedGen C0268467, MONDO:0100184.
Dystonia 5 (DRD). Also called: DYSTONIA, PROGRESSIVE, WITH DIURNAL VARIATION; DYSTONIA-PARKINSONISM WITH DIURNAL FLUCTUATION; Dystonia, DOPA-responsive, with or without hyperphenylalaninemia; GTP Cyclohydrolase 1-Deficient Dopa-Responsive Dystonia; DYT-GCH1. Identifiers: Orphanet 98808, MedGen C1851920, MONDO:0007495, OMIM 128230.

gnomAD v4.1: 1 of 1,494,386 alleles (0.000067%); no homozygotes.

Submission:

Labcorp Genetics (formerly Invitae), Labcorp
Classification: Uncertain significance for GTP cyclohydrolase I deficiency; Dystonia 5. Last evaluated: 2025-06-11. Review status: criteria provided, single submitter. Criteria: Invitae Variant Classification Sherloc (09022015). Collection method: clinical testing. Allele origin: germline.
Comment: This sequence change replaces glycine, which is neutral and non-polar, with tryptophan, which is neutral and slightly polar, at codon 21 of the GCH1 protein (p.Gly21Trp). This variant is not present in population databases (gnomAD no frequency). This variant has not been reported in the literature in individuals affected with GCH1-related conditions. ClinVar contains an entry for this variant (Variation ID: 3763863). An algorithm developed to predict the effect of missense changes on protein structure and function (PolyPhen-2) suggests that this variant is likely to be disruptive. In summary, the available evidence is currently insufficient to determine the role of this variant in disease. Therefore, it has been classified as a Variant of Uncertain Significance.